The following is an entry in ClinVar:

NM_001374736.1(DST):c.18433C>T (p.Arg6145Trp)

Gene: DST (dystonin; minus strand). Cytogenetic location: 6p12.1.
Variant type: single nucleotide variant.
Coding change: c.18433C>T on transcript NM_001374736.1 (MANE Select); coding-DNA position 18433, C replaced by T.
Protein change: p.Arg6145Trp; replaces arginine 6145 with tryptophan.
Molecular consequence: missense variant.
Genome position (GRCh38, 1-based): chr6:56,515,593, G>A on the plus strand (C>T on the coding strand, the complement: DST is on the minus strand). VCF-style: chr6-56515593-G-A. GRCh37 (hg19) VCF-style: chr6-56380391-G-A.
Other names: c.12076C>T, p.Arg4026Trp (NM_001144769.5); c.11662C>T, p.Arg3888Trp (NM_001144770.2); c.18433C>T, p.Arg6145Trp (NM_001374722.1); c.17473C>T, p.Arg5825Trp (NM_001374729.1); c.11215C>T, p.Arg3739Trp (NM_001374730.1); c.18460C>T, p.Arg6154Trp (NM_001374734.1); c.11542C>T, p.Arg3848Trp (NM_001386100.1, NM_183380.4); c.10564C>T, p.Arg3522Trp (NM_015548.5); short protein forms R3522W, R4026W, R3739W, R3848W, R6145W, R6154W, R3888W, R5825W.
Identifiers: ClinVar variation 798345 (VCV000798345.56), dbSNP rs193252082, ClinGen allele CA3867202.

ClinVar aggregate classification (germline): Conflicting classifications of pathogenicity. Review status: criteria provided, conflicting classifications (1 of 4 stars). 6 submissions from 6 submitters: Uncertain significance (2); Likely benign (4). Last evaluated 2026-01-25.

Conditions:
Inborn genetic diseases. Identifiers: MedGen C0950123, MeSH D030342.
Hereditary sensory and autonomic neuropathy type 6. Also called: HSAN VI; Neuropathy, hereditary sensory and autonomic, type VI. Identifiers: Orphanet 314381, MedGen C3539003, MONDO:0013839, OMIM 614653.
Epidermolysis bullosa simplex 3, localized or generalized intermediate, with BP230 deficiency (EBS3). Also called: Epidermolysis bullosa simplex, autosomal recessive 2; Epidermolysis bullosa simplex due to BP230 deficiency. Identifiers: Orphanet 412181, MedGen C3809470, MONDO:0014180, OMIM 615425.
DST-related disorder. Also called: DST-related condition; DST-related disorders.

Allele frequency attached by ClinVar (database versions not stated): gnomAD 0.00107 and 0.00102; TOPMed 0.00122; 1000 Genomes Project 30x 0.00094; ExAC 0.00091; 1000 Genomes Project 0.00060; ESP Exome Variant Server 0.00150.
gnomAD v4.1: 2,544 of 1,613,798 alleles (0.16%); highest among the groups gnomAD compares: Non-Finnish European, 0.2%; 2 homozygotes.

Submissions (6):

Labcorp Genetics (formerly Invitae), Labcorp
Classification: Likely benign for Epidermolysis bullosa simplex 3, localized or generalized intermediate, with BP230 deficiency; Hereditary sensory and autonomic neuropathy type 6. Last evaluated: 2026-01-25. Review status: criteria provided, single submitter. Criteria: Invitae Variant Classification Sherloc (09022015). Collection method: clinical testing. Allele origin: germline.

CeGaT Center for Human Genetics Tuebingen
Classification: Likely benign. Last evaluated: 2026-01-01. Review status: criteria provided, single submitter. Criteria: CeGaT Center For Human Genetics Tuebingen Variant Classification Criteria Version 2. Collection method: clinical testing. Allele origin: germline. Affected: yes. Observed: 3 variant alleles.
Comment: DST: BS1

PreventionGenetics, part of Exact Sciences
Classification: Likely benign for DST-related condition. Last evaluated: 2025-03-25. Review status: criteria provided, single submitter. Criteria: ACMG Guidelines, 2015. Collection method: clinical testing. Allele origin: germline.
Comment: This variant is classified as likely benign based on ACMG/AMP sequence variant interpretation guidelines (Richards et al. 2015 PMID: 25741868, with internal and published modifications).

Blueprint Genetics
Classification: Likely benign. Last evaluated: 2024-11-25. Review status: criteria provided, single submitter. Criteria: ACMG Guidelines, 2015. Collection method: clinical testing. Allele origin: germline.

Mayo Clinic Laboratories, Mayo Clinic
Classification: Uncertain significance. Last evaluated: 2024-11-20. Review status: criteria provided, single submitter. Criteria: ACMG Guidelines, 2015. Collection method: clinical testing. Allele origin: germline. Observed: 10 variant alleles.
Comment: BS1

Ambry Genetics
Classification: Uncertain significance for Inborn genetic diseases. Last evaluated: 2021-10-12. Review status: criteria provided, single submitter. Criteria: Ambry Variant Classification Scheme 2023. Collection method: clinical testing. Allele origin: germline.
Comment: The p.R4026W variant (also known as c.12076C>T), located in coding exon 66 of the DST gene, results from a C to T substitution at nucleotide position 12076. The arginine at codon 4026 is replaced by tryptophan, an amino acid with dissimilar properties. This amino acid position is well conserved in available vertebrate species. In addition, the in silico prediction for this alteration is inconclusive. Since supporting evidence is limited at this time, the clinical significance of this alteration remains unclear.